The following is an entry in ClinVar:

NM_000492.4(CFTR):c.4257C>A (p.Asn1419Lys)

Genes: CFTR (CF transmembrane conductance regulator; plus strand), LOC111674477 (CFTR intron 23 enhancer; plus strand). Cytogenetic location: 7q31.2.
Variant type: single nucleotide variant.
Coding change: c.4257C>A on transcript NM_000492.4 (MANE Select); coding-DNA position 4257, C replaced by A.
Protein change: p.Asn1419Lys; replaces asparagine 1419 with lysine.
Molecular consequence: missense variant.
Genome position (GRCh38, 1-based): chr7:117,666,922, C>A. VCF-style: chr7-117666922-C-A. GRCh37 (hg19) VCF-style: chr7-117306976-C-A.
Other names: short protein forms N1419K.
Identifiers: ClinVar variation 3231912 (VCV003231912.1), dbSNP rs1327206717, ClinGen allele CA368984423.

ClinVar aggregate classification (germline): Uncertain significance (1 of 4 stars; one submission).

Conditions:
Cystic fibrosis (CF). Also called: MUCOVISCIDOSIS. Identifiers: Orphanet 586, MedGen C0010674, MONDO:0009061, OMIM 219700. Disease mechanism: loss of function.

Allele frequency attached by ClinVar (database versions not stated): TOPMed 0.00001.
gnomAD v4.1: 4 of 1,614,002 alleles (0.00025%); highest among the groups gnomAD compares: Admixed American, 0.0033%; no homozygotes.

Submission:

Ambry Genetics
Classification: Uncertain significance for Cystic fibrosis. Last evaluated: 2024-03-12. Review status: criteria provided, single submitter. Criteria: Ambry Variant Classification Scheme 2023. Collection method: clinical testing. Allele origin: germline.
Comment: The p.N1419K variant (also known as c.4257C>A), located in coding exon 27 of the CFTR gene, results from a C to A substitution at nucleotide position 4257. The asparagine at codon 1419 is replaced by lysine, an amino acid with similar properties. This amino acid position is not well conserved in available vertebrate species. In addition, this alteration is predicted to be tolerated by in silico analysis. Based on the available evidence, the clinical significance of this alteration remains unclear.